The following is an entry in ClinVar:

ClinVar aggregate classification (germline): Benign/Likely benign. Review status: criteria provided, multiple submitters, no conflicts (2 of 4 stars). 10 submissions from 10 submitters: Benign (2); Likely benign (5). 3 of the submissions do not count toward it. Last evaluated 2026-09-01.

Conditions:
EGFR-related lung cancer (EGFR). Identifiers: MedGen CN130014.
Hereditary cancer-predisposing syndrome. Also called: Tumor predisposition; Neoplastic Syndromes, Hereditary; Hereditary neoplastic syndrome; Hereditary Cancer Syndrome. Identifiers: Orphanet 140162, MedGen C0027672, MeSH D009386, MONDO:0015356.

Allele frequency attached by ClinVar (database versions not stated): 1000 Genomes Project 0.00140; 1000 Genomes Project 30x 0.00156; gnomAD exomes 0.00228 and 0.00396; ExAC 0.00236; gnomAD 0.00239 and 0.00247; TOPMed 0.00253; ESP Exome Variant Server 0.00369.
gnomAD v4.1: 6,053 of 1,614,174 alleles (0.37%); highest among the groups gnomAD compares: Non-Finnish European, 0.48%; 15 homozygotes.

Submissions (10):

CeGaT Center for Human Genetics Tuebingen
Classification: Likely benign. Last evaluated: 2026-09-01. Review status: criteria provided, single submitter. Criteria: CeGaT Center For Human Genetics Tuebingen Variant Classification Criteria Version 2. Collection method: clinical testing. Allele origin: germline. Affected: yes. Observed: 41 variant alleles.
Comment: EGFR: BP4, BP7, BS2

Labcorp Genetics (formerly Invitae), Labcorp
Classification: Benign for EGFR-related lung cancer. Last evaluated: 2026-02-04. Review status: criteria provided, single submitter. Criteria: Invitae Variant Classification Sherloc (09022015). Collection method: clinical testing. Allele origin: germline.

Mayo Clinic Laboratories, Mayo Clinic
Classification: Likely benign. Last evaluated: 2025-10-10. Review status: criteria provided, single submitter. Criteria: ACMG Guidelines, 2015. Collection method: clinical testing. Allele origin: germline. Observed: 1 variant allele.
Comment: BS1, BP4, BP7

Blueprint Genetics
Classification: Likely benign. Last evaluated: 2024-10-31. Review status: criteria provided, single submitter. Criteria: ACMG Guidelines, 2015. Collection method: clinical testing. Allele origin: germline.

Ambry Genetics
Classification: Likely benign for Hereditary cancer-predisposing syndrome. Last evaluated: 2024-08-09. Review status: criteria provided, single submitter. Criteria: Ambry Variant Classification Scheme 2023. Collection method: clinical testing. Allele origin: germline.

Sema4
Classification: Benign for Hereditary cancer-predisposing syndrome. Last evaluated: 2020-02-24. Review status: criteria provided, single submitter. Criteria: Sema4 Curation Guidelines. Collection method: curation. Allele origin: germline.

Breakthrough Genomics
Classification: Likely benign. Review status: criteria provided, single submitter. Criteria: ACMG Guidelines, 2015. Collection method: not provided. Allele origin: germline. Inheritance: Autosomal recessive inheritance. Affected: yes.

Clinical Genetics DNA and cytogenetics Diagnostics Lab, Erasmus MC, Erasmus Medical Center
Classification: Likely benign. Review status: no assertion criteria provided. Collection method: clinical testing. Allele origin: germline. Affected: yes. Study: VKGL Data-share Consensus. Not counted in ClinVar's aggregate classification.

Genome Diagnostics Laboratory, Amsterdam University Medical Center
Classification: Likely benign. Review status: no assertion criteria provided. Collection method: clinical testing. Allele origin: germline. Affected: yes. Study: VKGL Data-share Consensus. Not counted in ClinVar's aggregate classification.

Laboratory of Diagnostic Genome Analysis, Leiden University Medical Center (LUMC)
Classification: Likely benign. Review status: no assertion criteria provided. Collection method: clinical testing. Allele origin: germline. Affected: yes. Study: VKGL Data-share Consensus. Not counted in ClinVar's aggregate classification.

NM_005228.5(EGFR):c.3015A>G (p.Glu1005=)

Gene: EGFR (epidermal growth factor receptor; plus strand). Cytogenetic location: 7p11.2.
Variant type: single nucleotide variant.
Coding change: c.3015A>G on transcript NM_005228.5 (MANE Select); coding-DNA position 3015, A replaced by G.
Protein change: p.Glu1005=; no amino-acid change (glutamic acid 1005 retained).
Molecular consequence: synonymous variant.
Genome position (GRCh38, 1-based): chr7:55,201,256, A>G. VCF-style: chr7-55201256-A-G. GRCh37 (hg19) VCF-style: chr7-55268949-A-G.
Other names: p.Glu1005=; c.2880A>G, p.Glu960= (NM_001346897.2, NM_001346899.2); c.3015A>G, p.Glu1005= (NM_001346898.2); c.2856A>G, p.Glu952= (NM_001346900.2); c.2214A>G, p.Glu738= (NM_001346941.2).
Identifiers: ClinVar variation 360468 (VCV000360468.56), dbSNP rs55737335, ClinGen allele CA4266238.